The following is an entry in ClinVar:

ClinVar aggregate classification (germline): Conflicting classifications of pathogenicity. Review status: criteria provided, conflicting classifications (1 of 4 stars). 8 submissions from 7 submitters: Uncertain significance (3); Likely benign (4). 1 of the submissions does not count toward it. Last evaluated 2025-12-09.

Conditions:
NLRP3-related disorder. Also called: NLRP3-related condition; NLRP3-Related Disorders.
Keratitis fugax hereditaria. Also called: KERATOENDOTHELIITIS FUGAX HEREDITARIA. Identifiers: Orphanet 647815, MedGen C1835697, MONDO:0007849, OMIM 148200.
Familial amyloid nephropathy with urticaria AND deafness (MWS). Also called: CRYOPYRIN-ASSOCIATED PERIODIC SYNDROME 2; UDA SYNDROME; URTICARIA-DEAFNESS-AMYLOIDOSIS SYNDROME; MUCKLE-WELLS SYNDROME; Urticaria, deafness and amyloidosis. Identifiers: Orphanet 575, MedGen C0268390, MONDO:0008633, OMIM 191900.
Chronic infantile neurological, cutaneous and articular syndrome (CINCA). Also called: CRYOPYRIN-ASSOCIATED PERIODIC SYNDROME 3; CHRONIC NEUROLOGIC CUTANEOUS AND ARTICULAR SYNDROME; CINCA syndrome; Prieur Griscelli syndrome. Identifiers: Orphanet 1451, MedGen C0409818, MONDO:0011776, OMIM 607115.
Familial cold autoinflammatory syndrome 1 (FCAS1). Also called: Familial cold inflammatory syndrome 1; CRYOPYRIN-ASSOCIATED PERIODIC SYNDROME 1. Identifiers: Orphanet 47045, MedGen C4551895, MONDO:0007349, OMIM 120100.
Hearing loss, autosomal dominant 34, with or without inflammation. Also called: DEAFNESS, AUTOSOMAL DOMINANT 34, WITH OR WITHOUT INFLAMMATION. Identifiers: MedGen C4521680, MONDO:0033261, OMIM 617772.
Cryopyrin associated periodic syndrome (CAPS). Identifiers: Orphanet 208650, MedGen C2316212, MONDO:0016168.

Allele frequency attached by ClinVar (database versions not stated): ExAC 0.00016; gnomAD exomes 0.00020; 1000 Genomes Project 0.00040; 1000 Genomes Project 30x 0.00047; TOPMed 0.00048; gnomAD 0.00062 and 0.00068; ESP Exome Variant Server 0.00069.
gnomAD v4.1: 169 of 1,613,710 alleles (0.01%); highest among the groups gnomAD compares: African/African-American, 0.2%; no homozygotes.

Submissions (8):

Labcorp Genetics (formerly Invitae), Labcorp
Classification: Likely benign for Cryopyrin associated periodic syndrome. Last evaluated: 2025-12-09. Review status: criteria provided, single submitter. Criteria: Invitae Variant Classification Sherloc (09022015). Collection method: clinical testing. Allele origin: germline.

GeneDx
Classification: Uncertain significance. Last evaluated: 2025-06-27. Review status: criteria provided, single submitter. Criteria: GeneDx Variant Classification Process June 2021. Collection method: clinical testing. Allele origin: germline. Affected: yes.
Comment: Observed in a patient in the Eurofever registry with CAPS, presenting with fever, urticarial rash, fatigue, weight loss, and hearing loss (PMID: 29047407, 25038238); In silico analysis supports that this missense variant has a deleterious effect on protein structure/function; Also known as p.(L1016F); This variant is associated with the following publications: (PMID: 25038238, 39930093, 39195255, 29047407)

Mayo Clinic Laboratories, Mayo Clinic
Classification: Likely benign. Last evaluated: 2025-04-22. Review status: criteria provided, single submitter. Criteria: ACMG Guidelines, 2015. Collection method: clinical testing. Allele origin: germline. Observed: 1 variant allele.
Comment: BS1

Women's Health and Genetics/Laboratory Corporation of America, LabCorp
Classification: Likely benign. Last evaluated: 2025-04-21. Review status: criteria provided, single submitter. Criteria: LabCorp Variant Classification Summary - May 2015. Collection method: clinical testing. Allele origin: germline.

Blueprint Genetics
Classification: Likely benign. Last evaluated: 2024-04-11. Review status: criteria provided, single submitter. Criteria: ACMG Guidelines, 2015. Collection method: clinical testing. Allele origin: germline.

Center for Genomics, Ann and Robert H. Lurie Children's Hospital of Chicago
Classification: Uncertain significance for Chronic infantile neurological, cutaneous and articular syndrome; Familial cold autoinflammatory syndrome 1; Familial amyloid nephropathy with urticaria AND deafness. Last evaluated: 2020-04-06. Review status: criteria provided, single submitter. Criteria: ACMG Guidelines, 2015. Collection method: clinical testing. Allele origin: germline.
Comment: NLRP3 NM_004895.4 exon 10 p.Leu1018Phe (c.3054A>C): This variant has not been reported in the literature but is present in 0.2% (64/24950) of African alleles in the Genome Aggregation Database. This variant is present in ClinVar (Variation ID:711518). Evolutionary conservation for this variant is limited or unavailable; computational predictive tools for this variant are unclear. In summary, data on this variant is insufficient for disease classification. Therefore, the clinical significance of this variant is uncertain.

Center for Genomics, Ann and Robert H. Lurie Children's Hospital of Chicago
Classification: Uncertain significance for Chronic infantile neurological, cutaneous and articular syndrome; Familial cold autoinflammatory syndrome 1; Keratitis fugax hereditaria; Hearing loss, autosomal dominant 34, with or without inflammation; Familial amyloid nephropathy with urticaria AND deafness. Review status: criteria provided, single submitter. Criteria: ACMG Guidelines, 2015. Collection method: clinical testing. Allele origin: germline.
Comment: the same text as in the submission from Center for Genomics, Ann and Robert H. Lurie Children's Hospital of Chicago above.

PreventionGenetics, part of Exact Sciences
Classification: Likely benign for NLRP3-related condition. Last evaluated: 2020-01-10. Review status: no assertion criteria provided. Collection method: clinical testing. Allele origin: germline. Not counted in ClinVar's aggregate classification.
Comment: This variant is classified as likely benign based on ACMG/AMP sequence variant interpretation guidelines (Richards et al. 2015 PMID: 25741868, with internal and published modifications).

NM_001243133.2(NLRP3):c.3048A>C (p.Leu1016Phe)

Gene: NLRP3 (NLR family pyrin domain containing 3; plus strand). Cytogenetic location: 1q44.
Variant type: single nucleotide variant.
Coding change: c.3048A>C on transcript NM_001243133.2 (MANE Select); coding-DNA position 3048, A replaced by C.
Protein change: p.Leu1016Phe; replaces leucine 1016 with phenylalanine.
Molecular consequence: missense variant.
Genome position (GRCh38, 1-based): chr1:247,448,447, A>C. VCF-style: chr1-247448447-A-C. GRCh37 (hg19) VCF-style: chr1-247611749-A-C.
Other names: p.Leu1018Phe; c.3048A>C, p.Leu1016Phe (NM_001079821.3); c.2877A>C, p.Leu959Phe (NM_001127461.3, NM_001127462.3); c.3054A>C, p.Leu1018Phe (NM_004895.5); c.2706A>C, p.Leu902Phe (NM_183395.3); short protein forms L1016F, L1018F, L902F, L959F.
Identifiers: ClinVar variation 711518 (VCV000711518.25), dbSNP rs143548979, ClinGen allele CA1495435.
Genomic context (GRCh38, chr1:247,448,447, plus strand): 5'-TTCTATTTGCTTTTACAGGTTGTCTGAAATGTATTTCAATTATGAGACAAAAAGTGCGTT[A>C]GAAACACTTCAAGAAGAAAAGCCTGAGCTGACCGTCGTCTTTGAGCCTTCTTGGTAGGAG-3'
Protein context (NP_001230062.1, residues 1006-1026): MYFNYETKSA[Leu1016Phe]ETLQEEKPEL